The following is an entry in ClinVar:

ClinVar aggregate classification (germline): Uncertain significance (1 of 4 stars; one submission).

Conditions:
Fanconi anemia complementation group J. Also called: BRIP1-Related Fanconi Anemia. Identifiers: Orphanet 84, MedGen C1836860, MONDO:0012187, OMIM 609054.
Familial cancer of breast. Also called: BREAST CANCER, FAMILIAL; Hereditary breast cancer; hereditary breast carcinoma. Identifiers: Orphanet 227535, MedGen C0346153, MONDO:0016419, OMIM 114480. Disease mechanism: loss of function.

Submission:

Labcorp Genetics (formerly Invitae), Labcorp
Classification: Uncertain significance for Familial cancer of breast; Fanconi anemia complementation group J. Last evaluated: 2023-01-17. Review status: criteria provided, single submitter. Criteria: Invitae Variant Classification Sherloc (09022015). Collection method: clinical testing. Allele origin: germline.
Comment: In summary, the available evidence is currently insufficient to determine the role of this variant in disease. Therefore, it has been classified as a Variant of Uncertain Significance. Algorithms developed to predict the effect of missense changes on protein structure and function output the following: SIFT: "Tolerated"; PolyPhen-2: "Benign"; Align-GVGD: "Class C0". The asparagine amino acid residue is found in multiple mammalian species, which suggests that this missense change does not adversely affect protein function. This variant has not been reported in the literature in individuals affected with BRIP1-related conditions. This variant is not present in population databases (gnomAD no frequency). This sequence change replaces aspartic acid, which is acidic and polar, with asparagine, which is neutral and polar, at codon 1207 of the BRIP1 protein (p.Asp1207Asn).

NM_032043.3(BRIP1):c.3619G>A (p.Asp1207Asn)

Gene: BRIP1 (BRCA1 interacting DNA helicase 1; minus strand). Cytogenetic location: 17q23.2.
Variant type: single nucleotide variant.
Coding change: c.3619G>A on transcript NM_032043.3 (MANE Select); coding-DNA position 3619, G replaced by A.
Protein change: p.Asp1207Asn; replaces aspartic acid 1207 with asparagine.
Molecular consequence: missense variant.
Genome position (GRCh38, 1-based): chr17:61,683,427, C>T on the plus strand (G>A on the coding strand, the complement: BRIP1 is on the minus strand). VCF-style: chr17-61683427-C-T. GRCh37 (hg19) VCF-style: chr17-59760788-C-T.
Other names: short protein forms D1207N.
Identifiers: ClinVar variation 2943314 (VCV002943314.3), dbSNP rs2144069733, ClinGen allele CA400478004.